The following is an entry in ClinVar:

NM_004006.3(DMD):c.121T>G (p.Phe41Val)

Gene: DMD (dystrophin; minus strand). Cytogenetic location: Xp21.1.
Variant type: single nucleotide variant.
Coding change: c.121T>G on transcript NM_004006.3 (MANE Select); coding-DNA position 121, T replaced by G.
Protein change: p.Phe41Val; replaces phenylalanine 41 with valine.
Molecular consequence: missense variant. On other transcripts: 5 prime UTR variant (1).
Genome position (GRCh38, 1-based): chrX:32,849,793, A>C on the plus strand (T>G on the coding strand, the complement: DMD is on the minus strand). VCF-style: chrX-32849793-A-C. GRCh37 (hg19) VCF-style: chrX-32867910-A-C.
Other names: c.97T>G, p.Phe33Val (NM_000109.4); c.109T>G, p.Phe37Val (NM_004009.3); c.-249T>G (NM_004010.3); short protein forms F37V, F41V, F33V.
Identifiers: ClinVar variation 2154987 (VCV002154987.2), dbSNP rs2524951724, ClinGen allele CA412674946.

ClinVar aggregate classification (germline): Uncertain significance. Review status: criteria provided, multiple submitters, no conflicts (2 of 4 stars). 2 submissions from 2 submitters: Uncertain significance (2). Last evaluated 2024-04-23.

Conditions:
Duchenne muscular dystrophy (DMD). Also called: MUSCULAR DYSTROPHY, PSEUDOHYPERTROPHIC PROGRESSIVE, DUCHENNE TYPE; Duchenne Muscular Dystrophy (DMD). Identifiers: Orphanet 98896, MedGen C0013264, MONDO:0010679, OMIM 310200.

Submissions (2):

GeneDx
Classification: Uncertain significance. Last evaluated: 2024-04-23. Review status: criteria provided, single submitter. Criteria: GeneDx Variant Classification Process June 2021. Collection method: clinical testing. Allele origin: germline. Affected: yes.
Comment: Not observed at significant frequency in large population cohorts (gnomAD); In silico analysis supports that this missense variant has a deleterious effect on protein structure/function; Has not been previously published as pathogenic or benign to our knowledge

Labcorp Genetics (formerly Invitae), Labcorp
Classification: Uncertain significance for Duchenne muscular dystrophy. Last evaluated: 2022-04-02. Review status: criteria provided, single submitter. Criteria: Invitae Variant Classification Sherloc (09022015). Collection method: clinical testing. Allele origin: germline.
Comment: This sequence change replaces phenylalanine, which is neutral and non-polar, with valine, which is neutral and non-polar, at codon 41 of the DMD protein (p.Phe41Val). This variant is not present in population databases (gnomAD no frequency). This variant has not been reported in the literature in individuals affected with DMD-related conditions. Algorithms developed to predict the effect of missense changes on protein structure and function (SIFT, PolyPhen-2, Align-GVGD) all suggest that this variant is likely to be disruptive. Algorithms developed to predict the effect of sequence changes on RNA splicing suggest that this variant may create or strengthen a splice site. In summary, the available evidence is currently insufficient to determine the role of this variant in disease. Therefore, it has been classified as a Variant of Uncertain Significance.